The following is an entry in ClinVar:

ClinVar aggregate classification (germline): Pathogenic (1 of 4 stars; one submission).

Conditions:
Early-infantile DEE. Also called: Ohtahara syndrome; Early infantile epileptic encephalopathy with suppression bursts; Early infantile epileptic encephalopathy. Identifiers: Orphanet 1934, MedGen C0393706, MONDO:0800491.

Submission:

Labcorp Genetics (formerly Invitae), Labcorp
Classification: Pathogenic for Early-infantile DEE. Last evaluated: 2024-10-16. Review status: criteria provided, single submitter. Criteria: Invitae Variant Classification Sherloc (09022015). Collection method: clinical testing. Allele origin: germline.
Comment: This sequence change creates a premature translational stop signal (p.Glu769*) in the KCNQ2 gene. While this is not anticipated to result in nonsense mediated decay, it is expected to disrupt the last 104 amino acid(s) of the KCNQ2 protein. This variant is not present in population databases (gnomAD no frequency). This variant has not been reported in the literature in individuals affected with KCNQ2-related conditions. ClinVar contains an entry for this variant (Variation ID: 1073802). This variant disrupts a region of the KCNQ2 protein in which other variant(s) (p.Lys829Serfs*35) have been determined to be pathogenic (internal data). This suggests that this is a clinically significant region of the protein, and that variants that disrupt it are likely to be disease-causing. For these reasons, this variant has been classified as Pathogenic.

NM_172107.4(KCNQ2):c.2305G>T (p.Glu769Ter)

Gene: KCNQ2 (potassium voltage-gated channel subfamily Q member 2; minus strand). Cytogenetic location: 20q13.33.
Variant type: single nucleotide variant.
Coding change: c.2305G>T on transcript NM_172107.4 (MANE Select); coding-DNA position 2305, G replaced by T.
Protein change: p.Glu769Ter; replaces glutamic acid 769 with a stop codon.
Molecular consequence: nonsense.
Genome position (GRCh38, 1-based): chr20:63,406,958, C>A on the plus strand (G>T on the coding strand, the complement: KCNQ2 is on the minus strand). VCF-style: chr20-63406958-C-A. GRCh37 (hg19) VCF-style: chr20-62038311-C-A.
Other names: c.2359G>T, p.Glu787Ter (NM_001382235.1); c.2221G>T, p.Glu741Ter (NM_004518.6); c.2251G>T, p.Glu751Ter (NM_172106.3); c.2212G>T, p.Glu738Ter (NM_172108.5); short protein forms E738*, E741*, E751*, E769*, E787*.
Identifiers: ClinVar variation 1073802 (VCV001073802.10), dbSNP rs2145484794, ClinGen allele CA409637891.